The following is an entry in ClinVar:

ClinVar aggregate classification (germline): Uncertain significance. Review status: criteria provided, multiple submitters, no conflicts (2 of 4 stars). 2 submissions from 2 submitters: Uncertain significance (2). Last evaluated 2025-08-19.

Conditions:
Dilated cardiomyopathy 1HH (CMD1HH). Identifiers: Orphanet 154, MedGen C3151293, MONDO:0013479, OMIM 613881.
Myofibrillar myopathy 6. Identifiers: Orphanet 199340, MedGen C2751831, MONDO:0013061, OMIM 612954.
Cardiovascular phenotype. Identifiers: MedGen CN230736.

gnomAD v4.1: 1 of 1,614,162 alleles (0.000062%); highest among the groups gnomAD compares: Non-Finnish European, 0.000085%; no homozygotes.

Submissions (2):

Ambry Genetics
Classification: Uncertain significance for Cardiovascular phenotype. Last evaluated: 2025-08-19. Review status: criteria provided, single submitter. Criteria: Ambry Variant Classification Scheme 2023. Collection method: clinical testing. Allele origin: germline.
Comment: The p.A405T variant (also known as c.1213G>A), located in coding exon 4 of the BAG3 gene, results from a G to A substitution at nucleotide position 1213. The alanine at codon 405 is replaced by threonine, an amino acid with similar properties. This amino acid position is conserved. In addition, this alteration is predicted to be tolerated by in silico analysis. Based on the available evidence, the clinical significance of this variant remains unclear.

Labcorp Genetics (formerly Invitae), Labcorp
Classification: Uncertain significance for Dilated cardiomyopathy 1HH; Myofibrillar myopathy 6. Last evaluated: 2025-03-24. Review status: criteria provided, single submitter. Criteria: Invitae Variant Classification Sherloc (09022015). Collection method: clinical testing. Allele origin: germline.
Comment: This sequence change replaces alanine, which is neutral and non-polar, with threonine, which is neutral and polar, at codon 405 of the BAG3 protein (p.Ala405Thr). This variant is present in population databases (no rsID available, gnomAD 0.007%). This variant has not been reported in the literature in individuals affected with BAG3-related conditions. Invitae Evidence Modeling of protein sequence and biophysical properties (such as structural, functional, and spatial information, amino acid conservation, physicochemical variation, residue mobility, and thermodynamic stability) indicates that this missense variant is not expected to disrupt BAG3 protein function with a negative predictive value of 80%. In summary, the available evidence is currently insufficient to determine the role of this variant in disease. Therefore, it has been classified as a Variant of Uncertain Significance.

NM_004281.4(BAG3):c.1213G>A (p.Ala405Thr)

Gene: BAG3 (BAG cochaperone 3; plus strand). Cytogenetic location: 10q26.11.
Variant type: single nucleotide variant.
Coding change: c.1213G>A on transcript NM_004281.4 (MANE Select); coding-DNA position 1213, G replaced by A.
Protein change: p.Ala405Thr; replaces alanine 405 with threonine.
Molecular consequence: missense variant.
Genome position (GRCh38, 1-based): chr10:119,676,767, G>A. VCF-style: chr10-119676767-G-A. GRCh37 (hg19) VCF-style: chr10-121436279-G-A.
Other names: short protein forms A405T.
Identifiers: ClinVar variation 4192129 (VCV004192129.2).